The following is an entry in ClinVar:

ClinVar aggregate classification (germline): Uncertain significance (1 of 4 stars; one submission).

Submission:

Labcorp Genetics (formerly Invitae), Labcorp
Classification: Uncertain significance. Last evaluated: 2025-12-24. Review status: criteria provided, single submitter. Criteria: Invitae Variant Classification Sherloc (09022015). Collection method: clinical testing. Allele origin: germline.
Comment: This sequence change replaces alanine, which is neutral and non-polar, with threonine, which is neutral and polar, at codon 13 of the IL23R protein (p.Ala13Thr). This variant is not present in population databases (gnomAD no frequency). This variant has not been reported in the literature in individuals affected with IL23R-related conditions. An algorithm developed to predict the effect of missense changes on protein structure and function outputs the following: PolyPhen-2: "Possibly Damaging". The threonine amino acid residue is found in multiple mammalian species, which suggests that this missense change does not adversely affect protein function. In summary, the available evidence is currently insufficient to determine the role of this variant in disease. Therefore, it has been classified as a Variant of Uncertain Significance.

NM_144701.3(IL23R):c.37G>A (p.Ala13Thr)

Gene: IL23R (interleukin 23 receptor; plus strand). Cytogenetic location: 1p31.3.
Variant type: single nucleotide variant.
Coding change: c.37G>A on transcript NM_144701.3 (MANE Select); coding-DNA position 37, G replaced by A.
Protein change: p.Ala13Thr; replaces alanine 13 with threonine.
Molecular consequence: missense variant.
Genome position (GRCh38, 1-based): chr1:67,168,157, G>A. VCF-style: chr1-67168157-G-A. GRCh37 (hg19) VCF-style: chr1-67633840-G-A.
Other names: short protein forms A13T.
Identifiers: ClinVar variation 4772939 (VCV004772939.1).